The following is an entry in ClinVar:

ClinVar aggregate classification (germline): Uncertain significance (1 of 4 stars; one submission).

Submission:

GeneDx
Classification: Uncertain significance. Last evaluated: 2024-03-27. Review status: criteria provided, single submitter. Criteria: GeneDx Variant Classification Process June 2021. Collection method: clinical testing. Allele origin: germline. Affected: yes.
Comment: Not observed at significant frequency in large population cohorts (gnomAD); In-frame deletion of 2 amino acids in a non-repeat region; In silico analysis supports that this variant does not alter protein structure/function; Has not been previously published as pathogenic or benign to our knowledge

NM_006734.4(HIVEP2):c.5731_5736del (p.Asn1911_Asp1912del)

Gene: HIVEP2 (HIVEP zinc finger 2; minus strand). Cytogenetic location: 6q24.2.
Variant type: Deletion.
Coding change: c.5731_5736del on transcript NM_006734.4 (MANE Select); coding-DNA positions 5731 to 5736, 6 bases deleted (AATGAT; older notation c.5731_5736delAATGAT).
Protein change: p.Asn1911_Asp1912del.
Genome position (GRCh38, 1-based): chr6:142,760,552-142,760,557, ATCATT deleted on the plus strand (AATGAT on the coding strand, the reverse complement: HIVEP2 is on the minus strand); deleting any 6 consecutive bases within chr6:142,760,552-142,760,562 gives the same sequence; the c. name uses the placement nearest the transcript's 3' end. VCF-style (leftmost placement, unchanged base first): chr6-142760551-CATCATT-C. GRCh37 (hg19) VCF-style: chr6-143081688-CATCATT-C.
Identifiers: ClinVar variation 3371459 (VCV003371459.1).